The following is an entry in ClinVar:

ClinVar aggregate classification (germline): Uncertain significance (1 of 4 stars; one submission).

Conditions:
Hereditary cancer-predisposing syndrome. Also called: Hereditary Cancer Syndrome; Neoplastic Syndromes, Hereditary; Tumor predisposition; Hereditary neoplastic syndrome. Identifiers: Orphanet 140162, MedGen C0027672, MeSH D009386, MONDO:0015356.

Submission:

Ambry Genetics
Classification: Uncertain significance for Hereditary cancer-predisposing syndrome. Last evaluated: 2026-07-29. Review status: criteria provided, single submitter. Criteria: Ambry Variant Classification Scheme 2023. Collection method: clinical testing. Allele origin: germline.
Comment: The p.G201D variant (also known as c.602G>A), located in coding exon 5 of the EGFR gene, results from a G to A substitution at nucleotide position 602. The glycine at codon 201 is replaced by aspartic acid, an amino acid with similar properties. This amino acid position is well conserved in available vertebrate species. In addition, the in silico prediction for this alteration is inconclusive. Based on the available evidence, the clinical significance of this variant remains unclear.

NM_005228.5(EGFR):c.602G>A (p.Gly201Asp)

Gene: EGFR (epidermal growth factor receptor; plus strand). Cytogenetic location: 7p11.2.
Variant type: single nucleotide variant.
Coding change: c.602G>A on transcript NM_005228.5 (MANE Select); coding-DNA position 602, G replaced by A.
Protein change: p.Gly201Asp; replaces glycine 201 with aspartic acid.
Molecular consequence: missense variant. On other transcripts: intron variant (1).
Genome position (GRCh38, 1-based): chr7:55,151,336, G>A. VCF-style: chr7-55151336-G-A. GRCh37 (hg19) VCF-style: chr7-55219029-G-A.
Other names: c.602G>A, p.Gly201Asp (NM_001346898.2, NM_201282.2, NM_201283.2 and 1 more transcripts); c.467G>A, p.Gly156Asp (NM_001346899.2, NM_001346897.2); c.443G>A, p.Gly148Asp (NM_001346900.2); c.89-4494G>A (NM_001346941.2); short protein forms G148D, G201D, G156D.
Identifiers: ClinVar variation 5035805 (VCV005035805.1).